The following is an entry in ClinVar:

NM_000548.5(TSC2):c.2065C>G (p.Leu689Val)

Gene: TSC2 (TSC complex subunit 2; plus strand). Cytogenetic location: 16p13.3.
Variant type: single nucleotide variant.
Coding change: c.2065C>G on transcript NM_000548.5 (MANE Select); coding-DNA position 2065, C replaced by G.
Protein change: p.Leu689Val; replaces leucine 689 with valine.
Molecular consequence: missense variant.
Genome position (GRCh38, 1-based): chr16:2,071,902, C>G. VCF-style: chr16-2071902-C-G. GRCh37 (hg19) VCF-style: chr16-2121903-C-G.
Other names: c.2065C>G, p.Leu689Val (NM_001370405.1, NM_021055.3, NM_001077183.3 and 3 more transcripts); c.2065C>G (NM_000548.3); c.1954C>G, p.Leu652Val (NM_001318827.2); c.1918C>G, p.Leu640Val (NM_001318829.2); c.1465C>G, p.Leu489Val (NM_001318831.2); c.2098C>G, p.Leu700Val (NM_001318832.2); short protein forms L489V, L640V, L652V, L689V, L700V.
Identifiers: ClinVar variation 1007297 (VCV001007297.9), dbSNP rs1567465268, ClinGen allele CA394274650.

ClinVar aggregate classification (germline): Uncertain significance. Review status: criteria provided, multiple submitters, no conflicts (2 of 4 stars). 2 submissions from 2 submitters: Uncertain significance (2). Last evaluated 2024-12-26.

Conditions:
Hereditary cancer-predisposing syndrome. Also called: Hereditary neoplastic syndrome; Neoplastic Syndromes, Hereditary; Tumor predisposition; Hereditary Cancer Syndrome. Identifiers: Orphanet 140162, MedGen C0027672, MeSH D009386, MONDO:0015356.
Tuberous sclerosis 2 (TSC2). Identifiers: Orphanet 805, MedGen C1860707, MONDO:0013199, OMIM 613254.

Submissions (2):

Labcorp Genetics (formerly Invitae), Labcorp
Classification: Uncertain significance for Tuberous sclerosis 2. Last evaluated: 2024-12-26. Review status: criteria provided, single submitter. Criteria: Invitae Variant Classification Sherloc (09022015). Collection method: clinical testing. Allele origin: germline.
Comment: This sequence change replaces leucine, which is neutral and non-polar, with valine, which is neutral and non-polar, at codon 689 of the TSC2 protein (p.Leu689Val). This variant is not present in population databases (gnomAD no frequency). This variant has not been reported in the literature in individuals affected with TSC2-related conditions. ClinVar contains an entry for this variant (Variation ID: 1007297). Invitae Evidence Modeling of protein sequence and biophysical properties (such as structural, functional, and spatial information, amino acid conservation, physicochemical variation, residue mobility, and thermodynamic stability) indicates that this missense variant is not expected to disrupt TSC2 protein function with a negative predictive value of 95%. In summary, the available evidence is currently insufficient to determine the role of this variant in disease. Therefore, it has been classified as a Variant of Uncertain Significance.

Ambry Genetics
Classification: Uncertain significance for Hereditary cancer-predisposing syndrome. Last evaluated: 2024-09-25. Review status: criteria provided, single submitter. Criteria: Ambry Variant Classification Scheme 2023. Collection method: clinical testing. Allele origin: germline.
Comment: The p.L689V variant (also known as c.2065C>G), located in coding exon 18 of the TSC2 gene, results from a C to G substitution at nucleotide position 2065. The leucine at codon 689 is replaced by valine, an amino acid with highly similar properties. This amino acid position is conserved. In addition, the in silico prediction for this alteration is inconclusive. Based on the available evidence, the clinical significance of this variant remains unclear.